The following is an entry in ClinVar:

ClinVar aggregate classification (germline): Likely benign. Review status: criteria provided, multiple submitters, no conflicts (2 of 4 stars). 2 submissions from 2 submitters: Likely benign (2). Last evaluated 2025-02-20.

Allele frequency attached by ClinVar (database versions not stated): gnomAD 0.00044 and 0.00051; gnomAD exomes 0.00078; ExAC 0.00169.

Submissions (2):

Labcorp Genetics (formerly Invitae), Labcorp
Classification: Likely benign. Last evaluated: 2025-02-20. Review status: criteria provided, single submitter. Criteria: Invitae Variant Classification Sherloc (09022015). Collection method: clinical testing. Allele origin: germline.

Laboratory for Molecular Medicine, Mass General Brigham Personalized Medicine
Classification: Likely benign. Last evaluated: 2016-03-29. Review status: criteria provided, single submitter. Criteria: LMM Criteria. Collection method: clinical testing. Allele origin: germline.
Comment: Variant identified in a genome or exome case(s) and assessed due to predicted null impact of the variant or pathogenic assertions in the literature or databases. Disclaimer: This variant has not undergone full assessment. The following are preliminary notes: Similar deletions very frequent in ExAC

NM_001195248.2(APTX):c.484-13del

Gene: APTX (aprataxin; minus strand). Cytogenetic location: 9p21.1.
Variant type: Deletion.
Coding change: c.484-13del on transcript NM_001195248.2 (MANE Select); 13 bases into the intron before coding-DNA position 484, one base deleted (G; older notation c.484-13delG).
Molecular consequence: intron variant.
Genome position (GRCh38, 1-based): chr9:32,986,043, C deleted on the plus strand (G on the coding strand, the reverse complement: APTX is on the minus strand). VCF-style (leftmost placement, unchanged base first): chr9-32986042-AC-A. GRCh37 (hg19) VCF-style: chr9-32986040-AC-A.
Other names: c.322-13del (NM_001369001.1, NM_001369000.1, NM_001195250.2 and 1 more transcripts); c.484-13del (NM_001368996.1, NM_001368995.1, NM_001368997.1 and 6 more transcripts); c.220-13del (NM_001369002.1, NM_001369003.1, NM_001369004.1 and 5 more transcripts); c.268-13del (NM_001195252.2); c.484-13delG (NM_175073.2).
Identifiers: ClinVar variation 402383 (VCV000402383.8), dbSNP rs754565169, ClinGen allele CA5022422.